The following is an entry in ClinVar:

NM_031372.4(HNRNPDL):c.169del (p.Ala57fs)

Gene: HNRNPDL (heterogeneous nuclear ribonucleoprotein D like; minus strand). Cytogenetic location: 4q21.22.
Variant type: Deletion.
Coding change: c.169del on transcript NM_031372.4 (MANE Select); coding-DNA position 169, one base deleted (G; older notation c.169delG).
Protein change: p.Ala57fs; shifts the reading frame from alanine 57.
Molecular consequence: frameshift variant. On other transcripts: non-coding transcript variant (1).
Genome position (GRCh38, 1-based): chr4:82,429,522, C deleted on the plus strand (G on the coding strand, the reverse complement: HNRNPDL is on the minus strand); the first of 3 consecutive C bases (chr4:82,429,522-82,429,524); deleting any one gives the same sequence. VCF-style (leftmost placement, unchanged base first): chr4-82429521-GC-G. GRCh37 (hg19) VCF-style: chr4-83350674-GC-G.
Other names: c.169del, p.Ala57fs (NM_001207000.1); c.169delG (NM_031372.3); short protein forms A57fs.
Identifiers: ClinVar variation 654038 (VCV000654038.7), dbSNP rs1578086972, ClinGen allele CA915943138.

ClinVar aggregate classification (germline): Uncertain significance (1 of 4 stars; one submission).

Conditions:
Autosomal dominant limb-girdle muscular dystrophy type 1G (LGMDD3). Also called: Limb-girdle muscular dystrophy, type 1G; MUSCULAR DYSTROPHY, LIMB-GIRDLE, AUTOSOMAL DOMINANT 3. Identifiers: Orphanet 55596, MedGen C1836765, MONDO:0012193, OMIM 609115.

Submission:

Labcorp Genetics (formerly Invitae), Labcorp
Classification: Uncertain significance for Autosomal dominant limb-girdle muscular dystrophy type 1G. Last evaluated: 2018-08-05. Review status: criteria provided, single submitter. Criteria: Invitae Variant Classification Sherloc (09022015). Collection method: clinical testing. Allele origin: germline.
Comment: This sequence change creates a premature translational stop signal (p.Ala57Profs*19) in the HNRNPDL gene. It is expected to result in an absent or disrupted protein product. In summary, the available evidence is currently insufficient to determine the role of this variant in disease. Therefore, it has been classified as a Variant of Uncertain Significance. The current clinical and genetic evidence is not sufficient to establish whether loss-of-function variants in HNRNPDL cause disease. This variant has not been reported in the literature in individuals with HNRNPDL-related disease. While this variant is not present in population databases, the frequency information is unreliable, as metrics indicate poor data quality at this position in the ExAC database.